The following is an entry in ClinVar:

NM_002458.3(MUC5B):c.1440G>A (p.Ala480=)

Gene: MUC5B (mucin 5B, oligomeric mucus/gel-forming; plus strand). Cytogenetic location: 11p15.5.
Variant type: single nucleotide variant.
Coding change: c.1440G>A on transcript NM_002458.3 (MANE Select); coding-DNA position 1440, G replaced by A.
Protein change: p.Ala480=; no amino-acid change (alanine 480 retained).
Molecular consequence: synonymous variant.
Genome position (GRCh38, 1-based): chr11:1,230,570, G>A. VCF-style: chr11-1230570-G-A. GRCh37 (hg19) VCF-style: chr11-1251800-G-A.
Identifiers: ClinVar variation 226731 (VCV000226731.5), dbSNP rs116030616, ClinGen allele CA5804283.

ClinVar aggregate classification (germline): Benign. Review status: criteria provided, multiple submitters, no conflicts (2 of 4 stars). 2 submissions from 2 submitters: Benign (2). Last evaluated 2013-02-21.

Allele frequency attached by ClinVar (database versions not stated): gnomAD exomes 0.00059 and 0.00036; ExAC 0.00089; gnomAD 0.00273 and 0.00282; 1000 Genomes Project 0.00499; 1000 Genomes Project 30x 0.00515; TOPMed 0.00302; ESP Exome Variant Server 0.00314.
gnomAD v4.1: 967 of 1,611,172 alleles (0.06%); highest among the groups gnomAD compares: African/African-American, 0.98%; 2 homozygotes.

Submissions (2):

Laboratory for Molecular Medicine, Mass General Brigham Personalized Medicine
Classification: Benign. Last evaluated: 2013-02-21. Review status: criteria provided, single submitter. Criteria: LMM Criteria. Collection method: clinical testing. Allele origin: germline. Observed: 1 variant allele.
Comment: Ala480Ala in exon 12 of MUC5B: This variant is not expected to have clinical sig nificance because it does not alter an amino acid residue and is not located wit hin the splice consensus sequence. It has been identified in 0.9% (39/4272) of A frican American chromosomes from a broad population by the NHLBI Exome Sequencin g Project (dbSNP rs116030616).

Breakthrough Genomics
Classification: Benign. Review status: criteria provided, single submitter. Criteria: ACMG Guidelines, 2015. Collection method: not provided. Allele origin: germline. Inheritance: Autosomal dominant inheritance. Affected: yes.